The following is an entry in ClinVar:

NM_001127671.2(LIFR):c.2591+1G>A

Gene: LIFR (LIF receptor subunit alpha; minus strand). Cytogenetic location: 5p13.1.
Variant type: single nucleotide variant.
Coding change: c.2591+1G>A on transcript NM_001127671.2 (MANE Select); the canonical splice donor site of the intron after coding-DNA position 2591, G replaced by A.
Molecular consequence: splice donor variant.
Genome position (GRCh38, 1-based): chr5:38,484,774, C>T on the plus strand (G>A on the coding strand, the complement: LIFR is on the minus strand). VCF-style: chr5-38484774-C-T. GRCh37 (hg19) VCF-style: chr5-38484876-C-T.
Other names: c.2591+1G>A (NM_002310.6, NM_001364297.2); c.2558+1G>A (NM_001364298.2).
Identifiers: ClinVar variation 2701685 (VCV002701685.4), dbSNP rs2530948932, ClinGen allele CA359535287.

ClinVar aggregate classification (germline): Likely pathogenic (1 of 4 stars; one submission).

Submission:

Labcorp Genetics (formerly Invitae), Labcorp
Classification: Likely pathogenic. Last evaluated: 2023-12-09. Review status: criteria provided, single submitter. Criteria: Invitae Variant Classification Sherloc (09022015). Collection method: clinical testing. Allele origin: germline.
Comment: This sequence change affects a donor splice site in intron 18 of the LIFR gene. It is expected to disrupt RNA splicing. Variants that disrupt the donor or acceptor splice site typically lead to a loss of protein function (PMID: 16199547), and loss-of-function variants in LIFR are known to be pathogenic (PMID: 14740318). This variant is not present in population databases (gnomAD no frequency). This variant has not been reported in the literature in individuals affected with LIFR-related conditions. Algorithms developed to predict the effect of sequence changes on RNA splicing suggest that this variant may disrupt the consensus splice site. In summary, the currently available evidence indicates that the variant is pathogenic, but additional data are needed to prove that conclusively. Therefore, this variant has been classified as Likely Pathogenic.

Literature cited by the submitters: PubMed 16199547; PubMed 14740318.